The following is an entry in ClinVar:

NM_206933.4(USH2A):c.15433G>A (p.Val5145Ile)

Gene: USH2A (usherin; minus strand). Cytogenetic location: 1q41.
Variant type: single nucleotide variant.
Coding change: c.15433G>A on transcript NM_206933.4 (MANE Select); coding-DNA position 15433, G replaced by A.
Protein change: p.Val5145Ile; replaces valine 5145 with isoleucine.
Molecular consequence: missense variant.
Genome position (GRCh38, 1-based): chr1:215,628,900, C>T on the plus strand (G>A on the coding strand, the complement: USH2A is on the minus strand). VCF-style: chr1-215628900-C-T. GRCh37 (hg19) VCF-style: chr1-215802242-C-T.
Other names: short protein forms V5145I.
Identifiers: ClinVar variation 48464 (VCV000048464.77), dbSNP rs111033269, ClinGen allele CA143401.

ClinVar aggregate classification (germline): Benign. Review status: reviewed by expert panel (3 of 4 stars). 16 submissions from 16 submitters: Benign (1). 15 of the submissions do not count toward it. Last evaluated 2019-01-14.

Conditions:
Usher syndrome. Also called: Usher's syndrome; Usher Syndromes. Identifiers: Orphanet 886, MedGen CN469326, MeSH D052245, MONDO:0019501. Disease mechanism: loss of function.
USH2A-related disorder. Also called: USH2A-related disorders; USH2A-related condition. Identifiers: MedGen CN239332.
Usher syndrome type 2A. Also called: RETINAL DISEASE IN USHER SYNDROME TYPE IIA, MODIFIER OF; USHER SYNDROME, TYPE IIA. Identifiers: Orphanet 231178, Orphanet 886, MedGen C1848634, MONDO:0010169, OMIM 276901.
Retinitis pigmentosa 39 (RP39). Identifiers: Orphanet 791, MedGen C3151138, MONDO:0013436, OMIM 613809.
Retinitis pigmentosa (RP). Identifiers: Orphanet 791, MedGen C0035334, MeSH D012174, MONDO:0019200, OMIM 268000. Inheritance: Autosomal dominant, autosomal recessive and X linked inheritance.

Allele frequency attached by ClinVar (database versions not stated): 1000 Genomes Project 30x 0.00187; 1000 Genomes Project 0.00220; TOPMed 0.00287; gnomAD exomes 0.00314 and 0.00444; ExAC 0.00315; gnomAD 0.00369 and 0.00379; ESP Exome Variant Server 0.00408.
gnomAD v4.1: 6,909 of 1,614,130 alleles (0.43%); highest among the groups gnomAD compares: Non-Finnish European, 0.53%; 16 homozygotes.

Submissions (16):

ClinGen Hearing Loss Variant Curation Expert Panel
Classification: Benign for Usher syndrome. Last evaluated: 2019-01-14. Review status: reviewed by expert panel. Criteria: ClinGen HL ACMG Specifications v1. Collection method: curation. Allele origin: germline. Inheritance: Autosomal recessive inheritance.
Comment: The p.Val5145Ile variant in USH2A has been identified in at least 5 individuals with Usher syndrome; however, in 3 individuals no variant on the second allele was identified and in two individuals, no information about the other allele was provided (PMIDs 28041643, 25999674, 20829743, 27353947, 23591405). Additionally, the p.Val5145Ile variant was identified in 2 alleles of 56 retinitis pigmentosa patients, however it is unclear in which one or two patients these alleles were found (PMID 20591486). The filtering allele frequency of the p.Val5145Ile variant in the USH2A gene is 0.7% for European (Finnish) chromosomes by gnomAD (201/25124 with 95% CI), which is a high enough frequency to be classified as benign based on thresholds defined by the ClinGen Hearing Loss Expert Panel for autosomal recessive hearing loss variants (BA1). Additionally, computational prediction analysis using the metapredictor tool REVEL suggests that the variant may not impact the protein (BP4) .In summary, this variant meets criteria to be classified as benign based primarily on population frequency data and the absence of cases with biallelic variants. ACMG/AMP criteria applied, as specified by the Hearing Loss Expert Panel: BA1, BP4.

CeGaT Center for Human Genetics Tuebingen
Classification: Likely benign. Last evaluated: 2026-07-01. Review status: criteria provided, single submitter. Criteria: CeGaT Center For Human Genetics Tuebingen Variant Classification Criteria Version 2. Collection method: clinical testing. Allele origin: germline. Affected: yes. Observed: 21 variant alleles. Not counted in ClinVar's aggregate classification.
Comment: USH2A: BP4, BS2

Labcorp Genetics (formerly Invitae), Labcorp
Classification: Benign. Last evaluated: 2026-02-04. Review status: criteria provided, single submitter. Criteria: Invitae Variant Classification Sherloc (09022015). Collection method: clinical testing. Allele origin: germline. Not counted in ClinVar's aggregate classification.

PreventionGenetics, part of Exact Sciences
Classification: Benign for USH2A-related condition. Last evaluated: 2025-01-10. Review status: criteria provided, single submitter. Criteria: ACMG Guidelines, 2015. Collection method: clinical testing. Allele origin: germline. Not counted in ClinVar's aggregate classification.
Comment: This variant is classified as benign based on ACMG/AMP sequence variant interpretation guidelines (Richards et al. 2015 PMID: 25741868, with internal and published modifications).

Blueprint Genetics
Classification: Likely benign. Last evaluated: 2024-11-22. Review status: criteria provided, single submitter. Criteria: ACMG Guidelines, 2015. Collection method: clinical testing. Allele origin: germline. Not counted in ClinVar's aggregate classification.

ARUP Laboratories, Molecular Genetics and Genomics, ARUP Laboratories
Classification: Benign. Last evaluated: 2023-10-02. Review status: criteria provided, single submitter. Criteria: ARUP Molecular Germline Variant Investigation Process 2024. Collection method: clinical testing. Allele origin: germline. Not counted in ClinVar's aggregate classification.

Fulgent Genetics
Classification: Likely benign for Usher syndrome type 2A; Retinitis pigmentosa 39. Last evaluated: 2022-03-02. Review status: criteria provided, single submitter. Criteria: ACMG Guidelines, 2015. Collection method: clinical testing. Allele origin: unknown. Not counted in ClinVar's aggregate classification.

Women's Health and Genetics/Laboratory Corporation of America, LabCorp
Classification: Benign. Last evaluated: 2022-02-26. Review status: criteria provided, single submitter. Criteria: LabCorp Variant Classification Summary - May 2015. Collection method: clinical testing. Allele origin: germline. Not counted in ClinVar's aggregate classification.
Comment: Variant summary: USH2A c.15433G>A (p.Val5145Ile) results in a conservative amino acid change in the encoded protein sequence. Three of five in-silico tools predict a benign effect of the variant on protein function. The variant allele was found at a frequency of 0.0031 in 251470 control chromosomes in the gnomAD database, including 4 homozygotes. Although reported in the literature, to our knowledge, no penetrant association of c.15433G>A in individuals affected with Usher Syndrome and no experimental evidence demonstrating its impact on protein function have been reported. Multiple clinical diagnostic laboratories have submitted clinical-significance assessments for this variant to ClinVar after 2014 without evidence for independent evaluation and a majority consensus as benign/likely benign. Based on the evidence outlined above, the variant was classified as benign.

Mayo Clinic Laboratories, Mayo Clinic
Classification: Benign. Last evaluated: 2020-11-25. Review status: criteria provided, single submitter. Criteria: ACMG Guidelines, 2015. Collection method: clinical testing. Allele origin: germline. Observed: 2 variant alleles. Not counted in ClinVar's aggregate classification.

GeneDx
Classification: Benign. Last evaluated: 2019-03-25. Review status: criteria provided, single submitter. Criteria: GeneDx Variant Classification Process June 2021. Collection method: clinical testing. Allele origin: germline. Affected: yes. Not counted in ClinVar's aggregate classification.
Comment: This variant is associated with the following publications: (PMID: 20591486, 20507924, 30245029, 23591405, 26927203, 32707200, 32581362)

Eurofins Ntd Llc (ga)
Classification: Benign. Last evaluated: 2014-12-17. Review status: criteria provided, single submitter. Criteria: EGL Classification Definitions 2015. Collection method: clinical testing. Allele origin: germline. Observed: 2 variant alleles, 2 heterozygotes. Not counted in ClinVar's aggregate classification.

Laboratory for Molecular Medicine, Mass General Brigham Personalized Medicine
Classification: Benign. Last evaluated: 2013-08-16. Review status: criteria provided, single submitter. Criteria: LMM Criteria. Collection method: clinical testing. Allele origin: germline. Observed: 9 variant alleles. Not counted in ClinVar's aggregate classification.
Comment: Val5145Ile in exon 71 of USH2A: This variant has been identified in one individu al with Usher syndrome or nonsyndromic retinitis pigmentosa and two individuals with nonsyndromic retinitis pigmentosa (van Wijk - unpublished data, McGee 2010, Clark 2010). However, it was not noted if any of these individuals had a second USH2A variant. In addition, this variant has also been identified in one proban d with Fundus albipunctatus who was homozygous for a null mutation in another ge ne (Schatz 2010). It has also been identified by our laboratory in two probands who have other etiologies for their hearing loss. Furthermore, this variant is n ot expected to have clinical significance because it has been identified in 0.6% (48/8600) of European American chromosomes by the NHLBI Exome Sequencing Projec t (dbSNP rs111033269). In summary, this varia nt meets our criteria to be classified as benign.

Breakthrough Genomics
Classification: Benign. Review status: criteria provided, single submitter. Criteria: ACMG Guidelines, 2015. Collection method: not provided. Allele origin: germline. Inheritance: Autosomal recessive inheritance. Affected: yes. Not counted in ClinVar's aggregate classification.

Natera, Inc.
Classification: Likely benign for Usher syndrome type 2A. Last evaluated: 2020-06-13. Review status: no assertion criteria provided. Collection method: clinical testing. Allele origin: germline. Not counted in ClinVar's aggregate classification.

Department of Clinical Genetics, Copenhagen University Hospital, Rigshospitalet
Classification: Uncertain significance for Retinitis pigmentosa. Last evaluated: 2018-04-01. Review status: no assertion criteria provided. Collection method: research. Allele origin: unknown. Affected: yes. Study: VeluxRD. Not counted in ClinVar's aggregate classification.

NIHR Bioresource Rare Diseases, University of Cambridge
Classification: Likely pathogenic for Retinitis pigmentosa. Last evaluated: 2015-01-01. Review status: no assertion criteria provided. Collection method: research. Allele origin: unknown. Affected: yes. Observed: 1 variant allele. Not counted in ClinVar's aggregate classification.

Literature cited by the submitters: PubMed 20507924 (cited by Laboratory for Molecular Medicine, Mass General Brigham Personalized Medicine); PubMed 20591486 (cited by Laboratory for Molecular Medicine, Mass General Brigham Personalized Medicine); PubMed 30718709 (cited by Department of Clinical Genetics, Copenhagen University Hospital, Rigshospitalet); PubMed 23591405 (cited by NIHR Bioresource Rare Diseases, University of Cambridge); PubMed 28041643 (cited by NIHR Bioresource Rare Diseases, University of Cambridge).